The following is an entry in ClinVar:

ClinVar aggregate classification (germline): Uncertain significance (1 of 4 stars; one submission).

Submission:

GeneDx
Classification: Uncertain significance. Last evaluated: 2024-02-20. Review status: criteria provided, single submitter. Criteria: GeneDx Variant Classification Process June 2021. Collection method: clinical testing. Allele origin: germline. Affected: yes.
Comment: Not observed at significant frequency in large population cohorts (gnomAD); In-frame deletion of 3 amino acids and insertion of 2 amino acids in a non-repeat region; In silico analysis supports a deleterious effect on protein structure/function; Has not been previously published as pathogenic or benign to our knowledge

NM_015338.6(ASXL1):c.936_941delinsAAA (p.Phe312_Thr314delinsLeuAsn)

Gene: ASXL1 (ASXL transcriptional regulator 1; plus strand). Cytogenetic location: 20q11.21.
Variant type: Indel.
Coding change: c.936_941delinsAAA on transcript NM_015338.6 (MANE Select); coding-DNA positions 936 to 941, TTTTAC replaced by AAA.
Protein change: p.Phe312_Thr314delinsLeuAsn.
Molecular consequence: inframe indel.
Genome position (GRCh38, 1-based): chr20:32,431,636-32,431,641, TTTTAC replaced by AAA. VCF-style: chr20-32431636-TTTTAC-AAA. GRCh37 (hg19) VCF-style: chr20-31019439-TTTTAC-AAA.
Other names: c.753_758delinsAAA, p.Phe251_Thr253delinsLeuAsn (NM_001363734.1); c.936_941delTTTTACinsAAA, p.Phe312_Thr314delinsLeuAsn (NM_015338.5).
Identifiers: ClinVar variation 3369467 (VCV003369467.1).